The following is an entry in ClinVar:

NM_000384.3(APOB):c.13175G>A (p.Ser4392Asn)

Gene: APOB (apolipoprotein B; minus strand). Cytogenetic location: 2p24.1.
Variant type: single nucleotide variant.
Coding change: c.13175G>A on transcript NM_000384.3 (MANE Select); coding-DNA position 13175, G replaced by A.
Protein change: p.Ser4392Asn; replaces serine 4392 with asparagine.
Molecular consequence: missense variant.
Genome position (GRCh38, 1-based): chr2:21,002,247, C>T on the plus strand (G>A on the coding strand, the complement: APOB is on the minus strand). VCF-style: chr2-21002247-C-T. GRCh37 (hg19) VCF-style: chr2-21225119-C-T.
Other names: short protein forms S4392N.
Identifiers: ClinVar variation 373587 (VCV000373587.25), dbSNP rs777718986, ClinGen allele CA052062.

ClinVar aggregate classification (germline): Conflicting classifications of pathogenicity. Review status: criteria provided, conflicting classifications (1 of 4 stars). 6 submissions from 5 submitters: Uncertain significance (3); Likely benign (3). Last evaluated 2025-12-16.

Conditions:
Cardiovascular phenotype. Identifiers: MedGen CN230736.
Familial hypobetalipoproteinemia 1. Also called: APOB-Related Familial Hypobetalipoproteinemia; Hypobetalipoproteinemia, normotriglyceridemic; Acanthocytosis with hypobetalipoproteinemia. Identifiers: MedGen C4551990, MONDO:0014252, OMIM 615558.
Hypercholesterolemia, autosomal dominant, type B (FHCL2). Also called: APOLIPOPROTEIN B-100, FAMILIAL DEFECTIVE; APOLIPOPROTEIN B-100, FAMILIAL LIGAND-DEFECTIVE; HYPERCHOLESTEROLEMIA, FAMILIAL, DUE TO LIGAND-DEFECTIVE APOLIPOPROTEIN B; Familial Hypercholesterolemia Type B; Hyperlipoproteinemia Type IIb; APOB-Related Familial Hypercholesterolemia, Autosomal Dominant. Identifiers: MedGen C1704417, MONDO:0007751, OMIM 144010.

Allele frequency attached by ClinVar (database versions not stated): TOPMed 0.00003; ExAC 0.00005; gnomAD 0.00007 and 0.00008; gnomAD exomes 0.00007.
gnomAD v4.1: 91 of 1,613,856 alleles (0.0056%); highest among the groups gnomAD compares: Non-Finnish European, 0.0031%; no homozygotes.

Submissions (6):

Labcorp Genetics (formerly Invitae), Labcorp
Classification: Likely benign for Familial hypobetalipoproteinemia 1; Hypercholesterolemia, autosomal dominant, type B. Last evaluated: 2025-12-16. Review status: criteria provided, single submitter. Criteria: Invitae Variant Classification Sherloc (09022015). Collection method: clinical testing. Allele origin: germline.

Quest Diagnostics Nichols Institute San Juan Capistrano
Classification: Likely benign. Last evaluated: 2024-07-24. Review status: criteria provided, single submitter. Criteria: Quest Diagnostics criteria. Collection method: clinical testing. Allele origin: unknown.

Ambry Genetics
Classification: Likely benign for Cardiovascular phenotype. Last evaluated: 2022-08-09. Review status: criteria provided, single submitter. Criteria: Ambry Variant Classification Scheme 2023. Collection method: clinical testing. Allele origin: germline.

Illumina Laboratory Services, Illumina
Classification: Uncertain significance for Familial hypobetalipoproteinemia 1. Last evaluated: 2018-01-13. Review status: criteria provided, single submitter. Criteria: ICSL Variant Classification Criteria 13 December 2019. Collection method: clinical testing. Allele origin: germline.

Illumina Laboratory Services, Illumina
Classification: Uncertain significance for Hypercholesterolemia, autosomal dominant, type B. Last evaluated: 2018-01-13. Review status: criteria provided, single submitter. Criteria: ICSL Variant Classification Criteria 13 December 2019. Collection method: clinical testing. Allele origin: germline.

GeneDx
Classification: Uncertain significance. Last evaluated: 2016-12-07. Review status: criteria provided, single submitter. Criteria: GeneDx Variant Classification (06012015). Collection method: clinical testing. Allele origin: germline. Affected: yes.
Comment: A variant of uncertain significance has been identified in the APOB gene. The S4392N variant has not been published as a pathogenic variant, nor has it been reported as a benign variant to our knowledge. The S4392N variant was not observed in approximately 6500 individuals of European and African American ancestry in the NHLBI Exome Sequencing Project, indicating it is not a common benign variant in these populations. Nevertheless, the S4392N variant is a conservative amino acid substitution, which is not likely to impact secondary protein structure as these residues share similar properties. This substitution occurs at a position that is not conserved across species. Lastly, the majority of in silico analyses (2 out of 3) predict this variant likely does not alter the protein structure/function.

Literature cited by the submitters: PubMed 33418990 (cited by Quest Diagnostics Nichols Institute San Juan Capistrano and Ambry Genetics); PubMed 31150472 (cited by Quest Diagnostics Nichols Institute San Juan Capistrano and Ambry Genetics); PubMed 30122538 (cited by Quest Diagnostics Nichols Institute San Juan Capistrano).